The following is an entry in ClinVar:

ClinVar aggregate classification (germline): Uncertain significance (1 of 4 stars; one submission).

Conditions:
Autosomal dominant childhood-onset proximal spinal muscular atrophy with contractures (SMALED2A). Also called: Spinal muscular atrophy, lower extremity-predominant, 2A, autosomal dominant; SPINAL MUSCULAR ATROPHY, LOWER EXTREMITY-PREDOMINANT, 2A, CHILDHOOD ONSET, AUTOSOMAL DOMINANT. Identifiers: Orphanet 363447, Orphanet 363454, MedGen C4747715, MONDO:0014121, OMIM 615290.

Submission:

Labcorp Genetics (formerly Invitae), Labcorp
Classification: Uncertain significance for Autosomal dominant childhood-onset proximal spinal muscular atrophy with contractures. Last evaluated: 2026-01-12. Review status: criteria provided, single submitter. Criteria: Invitae Variant Classification Sherloc (09022015). Collection method: clinical testing. Allele origin: germline.
Comment: This sequence change replaces glutamine, which is neutral and polar, with arginine, which is basic and polar, at codon 253 of the BICD2 protein (p.Gln253Arg). This variant is not present in population databases (gnomAD no frequency). This variant has not been reported in the literature in individuals affected with BICD2-related conditions. Invitae Evidence Modeling of protein sequence and biophysical properties (such as structural, functional, and spatial information, amino acid conservation, physicochemical variation, residue mobility, and thermodynamic stability) indicates that this missense variant is not expected to disrupt BICD2 protein function with a negative predictive value of 80%. In summary, the available evidence is currently insufficient to determine the role of this variant in disease. Therefore, it has been classified as a Variant of Uncertain Significance.

NM_001003800.2(BICD2):c.758A>G (p.Gln253Arg)

Gene: BICD2 (BICD cargo adaptor 2; minus strand). Cytogenetic location: 9q22.31.
Variant type: single nucleotide variant.
Coding change: c.758A>G on transcript NM_001003800.2 (MANE Select); coding-DNA position 758, A replaced by G.
Protein change: p.Gln253Arg; replaces glutamine 253 with arginine.
Molecular consequence: missense variant.
Genome position (GRCh38, 1-based): chr9:92,720,604, T>C on the plus strand (A>G on the coding strand, the complement: BICD2 is on the minus strand). VCF-style: chr9-92720604-T-C. GRCh37 (hg19) VCF-style: chr9-95482886-T-C.
Other names: c.758A>G, p.Gln253Arg (NM_015250.4); short protein forms Q253R.
Identifiers: ClinVar variation 4743796 (VCV004743796.1).